The following is an entry in ClinVar:

NM_000392.5(ABCC2):c.1609C>A (p.Leu537Met)

Gene: ABCC2 (ATP binding cassette subfamily C member 2; plus strand). Cytogenetic location: 10q24.2.
Variant type: single nucleotide variant.
Coding change: c.1609C>A on transcript NM_000392.5 (MANE Select); coding-DNA position 1609, C replaced by A.
Protein change: p.Leu537Met; replaces leucine 537 with methionine.
Molecular consequence: missense variant.
Genome position (GRCh38, 1-based): chr10:99,807,462, C>A. VCF-style: chr10-99807462-C-A. GRCh37 (hg19) VCF-style: chr10-101567219-C-A.
Other names: short protein forms L537M.
Identifiers: ClinVar variation 3127904 (VCV003127904.3), dbSNP rs1283963840, ClinGen allele CA378109040.
Genomic context (GRCh38, chr10:99,807,462, plus strand): 5'-TGGGAACCTTCATTCAGAGACCAAGTACAAAACCTCCGGAAGAAAGAGCTCAAGAACCTG[C>A]TGGCCTTTAGTCAACTACAGTGTGTAGTAATATTCGTCTTCCAGTTAACTCCAGTCCTGG-3'
Protein context (NP_000383.2, residues 527-547): NLRKKELKNL[Leu537Met]AFSQLQCVVI

ClinVar aggregate classification (germline): Uncertain significance. Review status: criteria provided, multiple submitters, no conflicts (2 of 4 stars). 2 submissions from 2 submitters: Uncertain significance (2). Last evaluated 2024-01-29.

Conditions:
Inborn genetic diseases. Identifiers: MedGen C0950123, MeSH D030342.

Allele frequency attached by ClinVar (database versions not stated): gnomAD exomes below 0.00001.

Submissions (2):

Labcorp Genetics (formerly Invitae), Labcorp
Classification: Uncertain significance. Last evaluated: 2024-01-29. Review status: criteria provided, single submitter. Criteria: Invitae Variant Classification Sherloc (09022015). Collection method: clinical testing. Allele origin: germline.
Comment: This sequence change replaces leucine, which is neutral and non-polar, with methionine, which is neutral and non-polar, at codon 537 of the ABCC2 protein (p.Leu537Met). This variant is not present in population databases (gnomAD no frequency). This variant has not been reported in the literature in individuals affected with ABCC2-related conditions. Advanced modeling of protein sequence and biophysical properties (such as structural, functional, and spatial information, amino acid conservation, physicochemical variation, residue mobility, and thermodynamic stability) performed at Invitae indicates that this missense variant is not expected to disrupt ABCC2 protein function with a negative predictive value of 80%. In summary, the available evidence is currently insufficient to determine the role of this variant in disease. Therefore, it has been classified as a Variant of Uncertain Significance.

Ambry Genetics
Classification: Uncertain significance for Inborn genetic diseases. Last evaluated: 2023-11-04. Review status: criteria provided, single submitter. Criteria: Ambry Variant Classification Scheme 2023. Collection method: clinical testing. Allele origin: germline.